The following is an entry in ClinVar:

Conditions:
Long QT syndrome 5 (LQT5). Identifiers: Orphanet 101016, Orphanet 768, MedGen C1867904, MONDO:0013372, OMIM 613695.

Submission:

Roden Lab, Vanderbilt University Medical Center
No classification provided (evidence only). Condition: Long QT syndrome 5. Review status: no classification provided. Collection method: in vitro. Allele origin: not applicable. Functional consequence: Effect on ion channel function.
ClinVar note: "not provided" was previously submitted as the classification for the variant. However, the classification appeared to be based only on an observation of functional data so it was converted to no classification on 2025-07-30.

NM_000219.6(KCNE1):c.366T>G (p.Leu122=)

Gene: KCNE1 (potassium voltage-gated channel subfamily E regulatory subunit 1; minus strand). Cytogenetic location: 21q22.12.
Variant type: single nucleotide variant.
Coding change: c.366T>G on transcript NM_000219.6 (MANE Select); coding-DNA position 366, T replaced by G.
Protein change: p.Leu122=; no amino-acid change (leucine 122 retained).
Molecular consequence: synonymous variant.
Genome position (GRCh38, 1-based): chr21:34,449,269, A>C on the plus strand (T>G on the coding strand, the complement: KCNE1 is on the minus strand). VCF-style: chr21-34449269-A-C. GRCh37 (hg19) VCF-style: chr21-35821567-A-C.
Other names: c.366T>G, p.Leu122= (NM_001127668.4, NM_001127669.4, NM_001127670.4 and 4 more transcripts).
Identifiers: ClinVar variation 3373831 (VCV003373831.2).
Genomic context (GRCh38, chr21:34,449,269, plus strand): 5'-AGGCAGGATGTGTCCAGTTTTAGCCAGTGGTGGGGTTCATGGGGAAGGCTTCGTCTCAGG[A>C]AGGTGTGTGTTGGGTTGTTCTATGGCCAGATGGTTTTCAACGACATAGCACGACCTGTAG-3'
Protein context (NP_000210.2, residues 112-129): HLAIEQPNTH[Leu122=]PETKPSP